The following is an entry in ClinVar:

NM_005097.4(LGI1):c.1474C>T (p.Leu492Phe)

Gene: LGI1 (leucine rich glioma inactivated 1; plus strand). Cytogenetic location: 10q23.33.
Variant type: single nucleotide variant.
Coding change: c.1474C>T on transcript NM_005097.4 (MANE Select); coding-DNA position 1474, C replaced by T.
Protein change: p.Leu492Phe; replaces leucine 492 with phenylalanine.
Molecular consequence: missense variant. On other transcripts: non-coding transcript variant (1), intron variant (1).
Genome position (GRCh38, 1-based): chr10:93,797,603, C>T. VCF-style: chr10-93797603-C-T. GRCh37 (hg19) VCF-style: chr10-95557360-C-T.
Other names: c.1330C>T, p.Leu444Phe (NM_001308276.2); c.839-146C>T (NM_001308275.2); short protein forms L444F, L492F.
Identifiers: ClinVar variation 2711138 (VCV002711138.3), dbSNP rs2492919981, ClinGen allele CA377629785.

ClinVar aggregate classification (germline): Uncertain significance (1 of 4 stars; one submission).

Conditions:
Autosomal dominant epilepsy with auditory features. Identifiers: Orphanet 101046, MedGen C1838062, MONDO:0010898.

Submission:

Labcorp Genetics (formerly Invitae), Labcorp
Classification: Uncertain significance for Autosomal dominant epilepsy with auditory features. Last evaluated: 2024-01-24. Review status: criteria provided, single submitter. Criteria: Invitae Variant Classification Sherloc (09022015). Collection method: clinical testing. Allele origin: germline.
Comment: This sequence change replaces leucine, which is neutral and non-polar, with phenylalanine, which is neutral and non-polar, at codon 492 of the LGI1 protein (p.Leu492Phe). This variant is not present in population databases (gnomAD no frequency). This variant has not been reported in the literature in individuals affected with LGI1-related conditions. Advanced modeling of protein sequence and biophysical properties (such as structural, functional, and spatial information, amino acid conservation, physicochemical variation, residue mobility, and thermodynamic stability) has been performed at Invitae for this missense variant, however the output from this modeling did not meet the statistical confidence thresholds required to predict the impact of this variant on LGI1 protein function. In summary, the available evidence is currently insufficient to determine the role of this variant in disease. Therefore, it has been classified as a Variant of Uncertain Significance.